The following is an entry in ClinVar:

NC_000006.11:g.(?_35476986)_(35480467_?)dup

Gene: TULP1 (TUB like protein 1; minus strand). Cytogenetic location: 6p21.31.
Variant type: Duplication.
Identifiers: ClinVar variation 1067010 (VCV001067010.7).

ClinVar aggregate classification (germline): Likely pathogenic (1 of 4 stars; one submission).

Submission:

Labcorp Genetics (formerly Invitae), Labcorp
Classification: Likely pathogenic. Last evaluated: 2017-07-26. Review status: criteria provided, single submitter. Criteria: Invitae Variant Classification Sherloc (09022015). Collection method: clinical testing. Allele origin: germline.
Comment: In summary, the currently available evidence indicates that the variant is pathogenic, but additional data are needed to prove that conclusively. Therefore, this variant has been classified as Likely Pathogenic. Loss-of-function variants in TULP1 are known to be pathogenic (PMID: 15024725, 18055821). Sub-genic duplications are generally in tandem (PMID: 25640679), and result in an absent or disrupted protein. This variant has not been reported in the literature in individuals with TULP1-related disease. This variant is a gross duplication of the genomic region encompassing exons 2-8 of the TULP1 gene. While the exact position of the duplicated exons cannot be determined from this data, the duplicated copy of this region is likely in tandem and may result in an absent or disrupted protein product.

Literature cited by the submitters: PubMed 15024725; PubMed 18055821; PubMed 25640679.